The following is an entry in ClinVar:

NM_001267550.2(TTN):c.51122A>G (p.Asn17041Ser)

Genes: TTN (titin; minus strand), TTN-AS1 (TTN antisense RNA 1; plus strand). Cytogenetic location: 2q31.2.
Variant type: single nucleotide variant.
Coding change: c.51122A>G on transcript NM_001267550.2 (MANE Select); coding-DNA position 51122, A replaced by G.
Protein change: p.Asn17041Ser; replaces asparagine 17041 with serine.
Molecular consequence: missense variant.
Genome position (GRCh38, 1-based): chr2:178,611,007, T>C on the plus strand (A>G on the coding strand, the complement: TTN is on the minus strand). VCF-style: chr2-178611007-T-C. GRCh37 (hg19) VCF-style: chr2-179475734-T-C.
Other names: c.46199A>G, p.Asn15400Ser (NM_001256850.1); c.23927A>G, p.Asn7976Ser (NM_003319.4); c.43418A>G, p.Asn14473Ser (NM_133378.4); c.24302A>G, p.Asn8101Ser (NM_133432.3); c.24503A>G, p.Asn8168Ser (NM_133437.4); short protein forms N17041S, N7976S, N8101S, N14473S, N15400S, N8168S.
Identifiers: ClinVar variation 264187 (VCV000264187.27), dbSNP rs774659339, ClinGen allele CA10587500.

ClinVar aggregate classification (germline): Conflicting classifications of pathogenicity. Review status: criteria provided, conflicting classifications (1 of 4 stars). 2 submissions from 2 submitters: Uncertain significance (1); Likely benign (1). Last evaluated 2024-02-01.

Conditions:
Cardiovascular phenotype. Identifiers: MedGen CN230736.

Allele frequency attached by ClinVar (database versions not stated): gnomAD 0.00001; gnomAD exomes 0.00001; TOPMed 0.00001.
gnomAD v4.1: 18 of 1,612,092 alleles (0.0011%); highest among the groups gnomAD compares: Non-Finnish European, 0.0014%; no homozygotes.

Submissions (2):

CeGaT Center for Human Genetics Tuebingen
Classification: Uncertain significance. Last evaluated: 2024-02-01. Review status: criteria provided, single submitter. Criteria: CeGaT Center For Human Genetics Tuebingen Variant Classification Criteria Version 2. Collection method: clinical testing. Allele origin: germline. Affected: yes. Observed: 1 variant allele.
Comment: TTN: PM2, BP4

Ambry Genetics
Classification: Likely benign for Cardiovascular phenotype. Last evaluated: 2022-02-24. Review status: criteria provided, single submitter. Criteria: Ambry Variant Classification Scheme 2023. Collection method: clinical testing. Allele origin: germline.